The following is an entry in ClinVar:

NM_020812.4(DOCK6):c.4641C>A (p.Phe1547Leu)

Genes: DOCK6 (dedicator of cytokinesis 6; minus strand), DOCK6-AS1 (DOCK6 antisense RNA 1; plus strand). Cytogenetic location: 19p13.2.
Variant type: single nucleotide variant.
Coding change: c.4641C>A on transcript NM_020812.4 (MANE Select); coding-DNA position 4641, C replaced by A.
Protein change: p.Phe1547Leu; replaces phenylalanine 1547 with leucine.
Molecular consequence: missense variant.
Genome position (GRCh38, 1-based): chr19:11,212,002, G>T on the plus strand (C>A on the coding strand, the complement: DOCK6 is on the minus strand). VCF-style: chr19-11212002-G-T. GRCh37 (hg19) VCF-style: chr19-11322678-G-T.
Other names: c.4746C>A, p.Phe1582Leu (NM_001367830.1); short protein forms F1547L, F1582L.
Identifiers: ClinVar variation 2071222 (VCV002071222.1), dbSNP rs750904031, ClinGen allele CA404079808.

ClinVar aggregate classification (germline): Uncertain significance (1 of 4 stars; one submission).

gnomAD v4.1: 67 of 1,604,816 alleles (0.0042%); highest among the groups gnomAD compares: Non-Finnish European, 0.0057%; no homozygotes.

Submission:

Labcorp Genetics (formerly Invitae), Labcorp
Classification: Uncertain significance. Last evaluated: 2022-06-09. Review status: criteria provided, single submitter. Criteria: Invitae Variant Classification Sherloc (09022015). Collection method: clinical testing. Allele origin: germline.
Comment: This sequence change replaces phenylalanine, which is neutral and non-polar, with leucine, which is neutral and non-polar, at codon 1547 of the DOCK6 protein (p.Phe1547Leu). This variant is not present in population databases (gnomAD no frequency). This variant has not been reported in the literature in individuals affected with DOCK6-related conditions. Algorithms developed to predict the effect of missense changes on protein structure and function are either unavailable or do not agree on the potential impact of this missense change (SIFT: "Tolerated"; PolyPhen-2: "Possibly Damaging"; Align-GVGD: "Class C0"). In summary, the available evidence is currently insufficient to determine the role of this variant in disease. Therefore, it has been classified as a Variant of Uncertain Significance.